The following is an entry in ClinVar:

ClinVar aggregate classification (germline): Uncertain significance (1 of 4 stars; one submission).

Allele frequency attached by ClinVar (database versions not stated): gnomAD 0.00002; TOPMed 0.00002; gnomAD exomes 0.00004; ExAC 0.00006.
gnomAD v4.1: 60 of 1,609,598 alleles (0.0037%); highest among the groups gnomAD compares: South Asian, 0.025%; 1 homozygote.

Submission:

Labcorp Genetics (formerly Invitae), Labcorp
Classification: Uncertain significance. Last evaluated: 2025-11-15. Review status: criteria provided, single submitter. Criteria: Invitae Variant Classification Sherloc (09022015). Collection method: clinical testing. Allele origin: germline.
Comment: This sequence change replaces arginine, which is basic and polar, with glutamine, which is neutral and polar, at codon 122 of the MCM2 protein (p.Arg122Gln). This variant is present in population databases (rs758142097, gnomAD 0.02%). This variant has not been reported in the literature in individuals affected with MCM2-related conditions. ClinVar contains an entry for this variant (Variation ID: 2079852). An algorithm developed to predict the effect of missense changes on protein structure and function (PolyPhen-2) suggests that this variant is likely to be tolerated. In summary, the available evidence is currently insufficient to determine the role of this variant in disease. Therefore, it has been classified as a Variant of Uncertain Significance.

NM_004526.4(MCM2):c.365G>A (p.Arg122Gln)

Gene: MCM2 (minichromosome maintenance complex component 2; plus strand). Cytogenetic location: 3q21.3.
Variant type: single nucleotide variant.
Coding change: c.365G>A on transcript NM_004526.4 (MANE Select); coding-DNA position 365, G replaced by A.
Protein change: p.Arg122Gln; replaces arginine 122 with glutamine.
Molecular consequence: missense variant. On other transcripts: non-coding transcript variant (1).
Genome position (GRCh38, 1-based): chr3:127,604,736, G>A. VCF-style: chr3-127604736-G-A. GRCh37 (hg19) VCF-style: chr3-127323579-G-A.
Other names: short protein forms R122Q.
Identifiers: ClinVar variation 2079852 (VCV002079852.4), dbSNP rs758142097, ClinGen allele CA2595537.